The following is an entry in ClinVar:

ClinVar aggregate classification (germline): Uncertain significance (1 of 4 stars; one submission).

Submission:

Labcorp Genetics (formerly Invitae), Labcorp
Classification: Uncertain significance. Last evaluated: 2022-05-25. Review status: criteria provided, single submitter. Criteria: Invitae Variant Classification Sherloc (09022015). Collection method: clinical testing. Allele origin: germline.
Comment: This sequence change replaces proline, which is neutral and non-polar, with threonine, which is neutral and polar, at codon 227 of the CDCA7 protein (p.Pro227Thr). This variant is present in population databases (no rsID available, gnomAD 0.002%). This variant has not been reported in the literature in individuals affected with CDCA7-related conditions. Algorithms developed to predict the effect of missense changes on protein structure and function (SIFT, PolyPhen-2, Align-GVGD) all suggest that this variant is likely to be tolerated. In summary, the available evidence is currently insufficient to determine the role of this variant in disease. Therefore, it has been classified as a Variant of Uncertain Significance.

NM_031942.5(CDCA7):c.679C>A (p.Pro227Thr)

Gene: CDCA7 (cell division cycle associated 7; plus strand). Cytogenetic location: 2q31.1.
Variant type: single nucleotide variant.
Coding change: c.679C>A on transcript NM_031942.5 (MANE Select); coding-DNA position 679, C replaced by A.
Protein change: p.Pro227Thr; replaces proline 227 with threonine.
Molecular consequence: missense variant.
Genome position (GRCh38, 1-based): chr2:173,363,875, C>A. VCF-style: chr2-173363875-C-A. GRCh37 (hg19) VCF-style: chr2-174228603-C-A.
Other names: c.442C>A, p.Pro148Thr (NM_145810.3); short protein forms P148T, P227T.
Identifiers: ClinVar variation 1952750 (VCV001952750.4), dbSNP rs767821525, ClinGen allele CA349326257.